The following is an entry in ClinVar:

NM_004606.5(TAF1):c.4821+3A>G

Gene: TAF1 (TATA-box binding protein associated factor 1; plus strand). Cytogenetic location: Xq13.1.
Variant type: single nucleotide variant.
Coding change: c.4821+3A>G on transcript NM_004606.5 (MANE Select); 3 bases into the intron after coding-DNA position 4821, A replaced by G.
Molecular consequence: intron variant.
Genome position (GRCh38, 1-based): chrX:71,454,240, A>G. VCF-style: chrX-71454240-A-G. GRCh37 (hg19) VCF-style: chrX-70674090-A-G.
Other names: c.4821+3A>G (NM_001286074.2); c.4758+3A>G (NM_138923.4); c.4881+3A>G (NM_004606.4).
Identifiers: ClinVar variation 1028279 (VCV001028279.8), dbSNP rs760062431, ClinGen allele CA10447255.

ClinVar aggregate classification (germline): Uncertain significance. Review status: criteria provided, multiple submitters, no conflicts (2 of 4 stars). 3 submissions from 3 submitters: Uncertain significance (3). Last evaluated 2023-10-13.

Conditions:
Intellectual developmental disorder, X-linked, syndromic 33. Also called: Intellectual disability, X-linked, syndromic 33; X-linked intellectual disability-global development delay-facial dysmorphism-sacral caudal remnant syndrome. Identifiers: Orphanet 480907, MedGen C4225418, MONDO:0010500, OMIM 300966.

Allele frequency attached by ClinVar (database versions not stated): ExAC 0.00001; TOPMed 0.00002; gnomAD exomes 0.00002.
gnomAD v4.1: 8 of 1,207,892 alleles (0.00066%); highest among the groups gnomAD compares: Admixed American, 0.017%; no homozygotes.

Submissions (3):

Labcorp Genetics (formerly Invitae), Labcorp
Classification: Uncertain significance. Last evaluated: 2023-10-13. Review status: criteria provided, single submitter. Criteria: Invitae Variant Classification Sherloc (09022015). Collection method: clinical testing. Allele origin: germline.
Comment: This sequence change falls in intron 33 of the TAF1 gene. It does not directly change the encoded amino acid sequence of the TAF1 protein. It affects a nucleotide within the consensus splice site. This variant is present in population databases (rs760062431, gnomAD 0.02%). This variant has been observed in individual(s) with clinical features of TAF1-related conditions (PMID: 31985533). ClinVar contains an entry for this variant (Variation ID: 1028279). Variants that disrupt the consensus splice site are a relatively common cause of aberrant splicing (PMID: 17576681, 9536098). Algorithms developed to predict the effect of sequence changes on RNA splicing suggest that this variant is not likely to affect RNA splicing. In summary, the available evidence is currently insufficient to determine the role of this variant in disease. Therefore, it has been classified as a Variant of Uncertain Significance.

Revvity Omics, Revvity
Classification: Uncertain significance. Last evaluated: 2022-02-09. Review status: criteria provided, single submitter. Criteria: ACMG Guidelines, 2015. Collection method: clinical testing. Allele origin: germline.

Baylor Genetics
Classification: Uncertain significance for Intellectual developmental disorder, X-linked, syndromic 33. Last evaluated: 2020-10-16. Review status: criteria provided, single submitter. Criteria: ACMG Guidelines, 2015. Collection method: clinical testing. Allele origin: unknown. Affected: yes.
Comment: This variant was determined to be of uncertain significance according to ACMG Guidelines, 2015 [PMID:25741868].

Literature cited by the submitters: PubMed 31985533 (cited by Labcorp Genetics (formerly Invitae), Labcorp); PubMed 17576681 (cited by Labcorp Genetics (formerly Invitae), Labcorp); PubMed 9536098 (cited by Labcorp Genetics (formerly Invitae), Labcorp).